The following is an entry in ClinVar:

NM_003183.6(ADAM17):c.2227C>G (p.Pro743Ala)

Genes: ADAM17 (ADAM metallopeptidase domain 17; minus strand), IAH1 (isoamyl acetate hydrolyzing esterase 1 (putative); plus strand). Cytogenetic location: 2p25.1.
Variant type: single nucleotide variant.
Coding change: c.2227C>G on transcript NM_003183.6 (MANE Select); coding-DNA position 2227, C replaced by G.
Protein change: p.Pro743Ala; replaces proline 743 with alanine.
Molecular consequence: missense variant.
Genome position (GRCh38, 1-based): chr2:9,490,425, G>C on the plus strand (C>G on the coding strand, the complement: ADAM17 is on the minus strand). VCF-style: chr2-9490425-G-C. GRCh37 (hg19) VCF-style: chr2-9630554-G-C.
Other names: c.1567C>G, p.Pro523Ala (NM_001382777.1); c.1330C>G, p.Pro444Ala (NM_001382778.1); short protein forms P444A, P523A, P743A.
Identifiers: ClinVar variation 2420118 (VCV002420118.6), dbSNP rs1267801186, ClinGen allele CA345794679.

ClinVar aggregate classification (germline): Uncertain significance (1 of 4 stars; one submission).

Conditions:
Inflammatory skin and bowel disease, neonatal, 1. Identifiers: Orphanet 294023, MedGen C3280501, MONDO:0013693, OMIM 614328.

Allele frequency attached by ClinVar (database versions not stated): gnomAD exomes below 0.00001; gnomAD 0.00001; TOPMed 0.00001.
gnomAD v4.1: 4 of 1,614,088 alleles (0.00025%); highest among the groups gnomAD compares: African/African-American, 0.0053%; no homozygotes.

Submission:

Labcorp Genetics (formerly Invitae), Labcorp
Classification: Uncertain significance for Inflammatory skin and bowel disease, neonatal, 1. Last evaluated: 2022-06-22. Review status: criteria provided, single submitter. Criteria: Invitae Variant Classification Sherloc (09022015). Collection method: clinical testing. Allele origin: germline.
Comment: This sequence change replaces proline, which is neutral and non-polar, with alanine, which is neutral and non-polar, at codon 743 of the ADAM17 protein (p.Pro743Ala). This variant has not been reported in the literature in individuals affected with ADAM17-related conditions. Algorithms developed to predict the effect of missense changes on protein structure and function output the following: SIFT: "Not Available"; PolyPhen-2: "Benign"; Align-GVGD: "Not Available". The alanine amino acid residue is found in multiple mammalian species, which suggests that this missense change does not adversely affect protein function. In summary, the available evidence is currently insufficient to determine the role of this variant in disease. Therefore, it has been classified as a Variant of Uncertain Significance. This variant is present in population databases (no rsID available, gnomAD 0.01%).